The following is an entry in ClinVar:

NM_030761.5(WNT4):c.872C>G (p.Thr291Arg)

Gene: WNT4 (Wnt family member 4; minus strand). Cytogenetic location: 1p36.12.
Variant type: single nucleotide variant.
Coding change: c.872C>G on transcript NM_030761.5 (MANE Select); coding-DNA position 872, C replaced by G.
Protein change: p.Thr291Arg; replaces threonine 291 with arginine.
Molecular consequence: missense variant.
Genome position (GRCh38, 1-based): chr1:22,120,234, G>C on the plus strand (C>G on the coding strand, the complement: WNT4 is on the minus strand). VCF-style: chr1-22120234-G-C. GRCh37 (hg19) VCF-style: chr1-22446727-G-C.
Other names: short protein forms T291R.
Identifiers: ClinVar variation 3897943 (VCV003897943.2).

ClinVar aggregate classification (germline): Pathogenic. Review status: no assertion criteria provided (0 of 4 stars). 2 submissions from 2 submitters: Pathogenic (2). Last evaluated 2025-11-04.

Conditions:
SERKAL syndrome (SERKAL). Also called: 46,XX SEX REVERSAL WITH DYSGENESIS OF KIDNEYS, ADRENALS, AND LUNGS. Identifiers: Orphanet 139466, MedGen C2678492, MONDO:0012734, OMIM 611812.

Submissions (2):

OMIM
Classification: Pathogenic for SERKAL SYNDROME. Last evaluated: 2025-11-04. Review status: no assertion criteria provided. Collection method: literature only. Allele origin: germline.

Daryl Scott Lab, Baylor College of Medicine
Classification: Pathogenic for SERKAL syndrome. Last evaluated: 2025-05-08. Review status: no assertion criteria provided. Collection method: clinical testing. Allele origin: biparental. Inheritance: Autosomal recessive inheritance. Affected: yes. Observed: 1 homozygote.

Literature cited by the submitters: PubMed 40992710 (cited by OMIM).